The following is an entry in ClinVar:

ClinVar aggregate classification (germline): Conflicting classifications of pathogenicity. Review status: criteria provided, conflicting classifications (1 of 4 stars). 2 submissions from 2 submitters: Likely pathogenic (1); Uncertain significance (1). Last evaluated 2025-09-08.

Conditions:
Renal cysts and diabetes syndrome (RCAD). Also called: Familial hypoplastic, glomerulocystic kidney; MATURITY-ONSET DIABETES OF THE YOUNG, TYPE 5. Identifiers: Orphanet 93111, MedGen C0431693, MONDO:0007669, OMIM 137920.

Allele frequency attached by ClinVar (database versions not stated): gnomAD exomes below 0.00001.
gnomAD v4.1: 3 of 1,614,080 alleles (0.00019%); highest among the groups gnomAD compares: Non-Finnish European, 0.00025%; no homozygotes.

Submissions (2):

Labcorp Genetics (formerly Invitae), Labcorp
Classification: Uncertain significance. Last evaluated: 2025-09-08. Review status: criteria provided, single submitter. Criteria: Invitae Variant Classification Sherloc (09022015). Collection method: clinical testing. Allele origin: germline.
Comment: This sequence change replaces asparagine, which is neutral and polar, with threonine, which is neutral and polar, at codon 418 of the HNF1B protein (p.Asn418Thr). This variant is not present in population databases (gnomAD no frequency). This missense change has been observed in individual(s) with clinical features of HNF1B-related conditions (PMID: 25500806). ClinVar contains an entry for this variant (Variation ID: 635595). Invitae Evidence Modeling of protein sequence and biophysical properties (such as structural, functional, and spatial information, amino acid conservation, physicochemical variation, residue mobility, and thermodynamic stability) indicates that this missense variant is not expected to disrupt HNF1B protein function with a negative predictive value of 80%. In summary, the available evidence is currently insufficient to determine the role of this variant in disease. Therefore, it has been classified as a Variant of Uncertain Significance.

Institute of Human Genetics, FAU Erlangen, Friedrich-Alexander-Universität Erlangen-Nürnberg
Classification: Likely pathogenic for Renal cysts and diabetes syndrome. Last evaluated: 2019-07-06. Review status: criteria provided, single submitter. Criteria: ACMG Guidelines, 2015. Collection method: literature only. Allele origin: germline. Affected: yes.
Comment: This variant and it's classification has been reported by Vasileiou et al. 2019; DOI:10.1101/576918. The variants has previously been reported in PMID:25500806 as "E6: c.1253A>C (p.Asn418Thr) (INH) " with clinical significance Pathogenic. It has been re-classified using InterVar and manual curation as Likely pathogenic based on PS1 PM1 PM2 PP3.

Literature cited by the submitters: PubMed 25500806 (cited by Labcorp Genetics (formerly Invitae), Labcorp and Institute of Human Genetics, FAU Erlangen, Friedrich-Alexander-Universität Erlangen-Nürnberg); DOI 10.1101/576918 (cited by Institute of Human Genetics, FAU Erlangen, Friedrich-Alexander-Universität Erlangen-Nürnberg).

NM_000458.4(HNF1B):c.1253A>C (p.Asn418Thr)

Gene: HNF1B (HNF1 homeobox B; minus strand). Cytogenetic location: 17q12.
Variant type: single nucleotide variant.
Coding change: c.1253A>C on transcript NM_000458.4 (MANE Select); coding-DNA position 1253, A replaced by C.
Protein change: p.Asn418Thr; replaces asparagine 418 with threonine.
Molecular consequence: missense variant.
Genome position (GRCh38, 1-based): chr17:37,705,003, T>G on the plus strand (A>C on the coding strand, the complement: HNF1B is on the minus strand). VCF-style: chr17-37705003-T-G. GRCh37 (hg19) VCF-style: chr17-36065010-T-G.
Other names: c.1175A>C, p.Asn392Thr (NM_001165923.4, NM_001304286.2); short protein forms N418T, N392T.
Identifiers: ClinVar variation 635595 (VCV000635595.2), dbSNP rs2511709863, ClinGen allele CA398757447.